The following is an entry in ClinVar:

ClinVar aggregate classification (germline): Uncertain significance. Review status: criteria provided, multiple submitters, no conflicts (2 of 4 stars). 2 submissions from 2 submitters: Uncertain significance (2). Last evaluated 2022-12-22.

Conditions:
Hereditary cancer-predisposing syndrome. Also called: Hereditary neoplastic syndrome; Neoplastic Syndromes, Hereditary; Tumor predisposition; Hereditary Cancer Syndrome. Identifiers: Orphanet 140162, MedGen C0027672, MeSH D009386, MONDO:0015356.

Submissions (2):

Labcorp Genetics (formerly Invitae), Labcorp
Classification: Uncertain significance. Last evaluated: 2022-12-22. Review status: criteria provided, single submitter. Criteria: Invitae Variant Classification Sherloc (09022015). Collection method: clinical testing. Allele origin: germline.
Comment: Advanced modeling of protein sequence and biophysical properties (such as structural, functional, and spatial information, amino acid conservation, physicochemical variation, residue mobility, and thermodynamic stability) performed at Invitae indicates that this missense variant is expected to disrupt POLE protein function. In summary, the available evidence is currently insufficient to determine the role of this variant in disease. Therefore, it has been classified as a Variant of Uncertain Significance. ClinVar contains an entry for this variant (Variation ID: 836646). This variant has not been reported in the literature in individuals affected with POLE-related conditions. This variant is not present in population databases (gnomAD no frequency). This sequence change replaces leucine, which is neutral and non-polar, with isoleucine, which is neutral and non-polar, at codon 857 of the POLE protein (p.Leu857Ile).

Ambry Genetics
Classification: Uncertain significance for Hereditary cancer-predisposing syndrome. Last evaluated: 2022-11-27. Review status: criteria provided, single submitter. Criteria: Ambry Variant Classification Scheme 2023. Collection method: clinical testing. Allele origin: germline.
Comment: The p.L857I variant (also known as c.2569T>A), located in coding exon 23 of the POLE gene, results from a T to A substitution at nucleotide position 2569. The leucine at codon 857 is replaced by isoleucine, an amino acid with highly similar properties. This amino acid position is conserved. In addition, this alteration is predicted to be tolerated by in silico analysis. Since supporting evidence is limited at this time, the clinical significance of this alteration remains unclear.

NM_006231.4(POLE):c.2569T>A (p.Leu857Ile)

Gene: POLE (DNA polymerase epsilon, catalytic subunit; minus strand). Cytogenetic location: 12q24.33.
Variant type: single nucleotide variant.
Coding change: c.2569T>A on transcript NM_006231.4 (MANE Select); coding-DNA position 2569, T replaced by A.
Protein change: p.Leu857Ile; replaces leucine 857 with isoleucine.
Molecular consequence: missense variant.
Genome position (GRCh38, 1-based): chr12:132,664,141, A>T on the plus strand (T>A on the coding strand, the complement: POLE is on the minus strand). VCF-style: chr12-132664141-A-T. GRCh37 (hg19) VCF-style: chr12-133240727-A-T.
Other names: c.2569T>A (NM_006231.2); short protein forms L857I.
Identifiers: ClinVar variation 836646 (VCV000836646.11), dbSNP rs763456552, ClinGen allele CA387395942.